The following is an entry in ClinVar:

ClinVar aggregate classification (germline): Uncertain significance. Review status: criteria provided, multiple submitters, no conflicts (2 of 4 stars). 2 submissions from 2 submitters: Uncertain significance (2). Last evaluated 2023-04-24.

Conditions:
Inborn genetic diseases. Identifiers: MedGen C0950123, MeSH D030342.

Allele frequency attached by ClinVar (database versions not stated): TOPMed below 0.00001; gnomAD 0.00001; gnomAD exomes 0.00001.
gnomAD v4.1: 11 of 1,612,368 alleles (0.00068%); highest among the groups gnomAD compares: Middle Eastern, 0.033%; no homozygotes.

Submissions (2):

GeneDx
Classification: Uncertain significance. Last evaluated: 2023-04-24. Review status: criteria provided, single submitter. Criteria: GeneDx Variant Classification Process June 2021. Collection method: clinical testing. Allele origin: germline. Affected: yes.
Comment: Not observed at significant frequency in large population cohorts (gnomAD); In silico analysis supports that this missense variant does not alter protein structure/function; Has not been previously published as pathogenic or benign to our knowledge

Ambry Genetics
Classification: Uncertain significance for Inborn genetic diseases. Last evaluated: 2022-09-14. Review status: criteria provided, single submitter. Criteria: Ambry Variant Classification Scheme 2023. Collection method: clinical testing. Allele origin: germline.

NM_144991.3(TSPEAR):c.454C>A (p.Leu152Met)

Gene: TSPEAR (thrombospondin type laminin G domain and EAR repeats; minus strand). Cytogenetic location: 21q22.3.
Variant type: single nucleotide variant.
Coding change: c.454C>A on transcript NM_144991.3 (MANE Select); coding-DNA position 454, C replaced by A.
Protein change: p.Leu152Met; replaces leucine 152 with methionine.
Molecular consequence: missense variant.
Genome position (GRCh38, 1-based): chr21:44,533,773, G>T on the plus strand (C>A on the coding strand, the complement: TSPEAR is on the minus strand). VCF-style: chr21-44533773-G-T. GRCh37 (hg19) VCF-style: chr21-45953656-G-T.
Other names: c.250C>A, p.Leu84Met (NM_001272037.2); short protein forms L152M, L84M.
Identifiers: ClinVar variation 2207183 (VCV002207183.3), dbSNP rs1555916011, ClinGen allele CA410447828.
Genomic context (GRCh38, chr21:44,533,773, plus strand): 5'-TGAGGGAGAAGACGCCTGCGGACACAGCCAGGACCAGTGTGTGCCAGCGGCCATCCACCA[G>T]GGCCGGGCTGCGGAAGGACACTCGGGTCTGCCAGGCGCCGGCCGTGTCCTCGCGAAGGAA-3'
Protein context (NP_659428.2, residues 142-162): QTRVSFRSPA[Leu152Met]VDGRWHTLVL